The following is an entry in ClinVar:

ClinVar aggregate classification (germline): Pathogenic (1 of 4 stars; one submission).

Conditions:
Congenital pontocerebellar hypoplasia type 1. Also called: Pontocerebellar hypoplasia type 1. Identifiers: Orphanet 2254, MedGen C5442006, MONDO:0016396.

Submission:

Labcorp Genetics (formerly Invitae), Labcorp
Classification: Pathogenic for Pontocerebellar hypoplasia type 1. Last evaluated: 2018-11-01. Review status: criteria provided, single submitter. Criteria: Invitae Variant Classification Sherloc (09022015). Collection method: clinical testing. Allele origin: germline.
Comment: This variant is a gross deletion of the genomic region encompassing exons 2-11 of the VRK1 gene, which includes the initiator codon. The 5' end of this event is unknown as it extends beyond the assayed region for this gene and therefore may encompass additional genes. The 3' boundary is likely confined to intron 11 of the VRK1 gene. This is expected to result in an absent or disrupted protein product. This variant has not been reported in the literature in individuals with VRK1-related disease. Loss-of-function variants in VRK1 are known to be pathogenic (PMID: 19646678). For these reasons, this variant has been classified as Pathogenic.

NC_000014.9:g.(?_96810669)_(96860745_?)del

Gene: VRK1 (VRK serine/threonine kinase 1; plus strand). Cytogenetic location: 14q32.2.
Variant type: Deletion.
Identifiers: ClinVar variation 657389 (VCV000657389.2).